The following is an entry in ClinVar:

NM_178013.4(PRIMA1):c.151G>A (p.Val51Ile)

Gene: PRIMA1 (proline rich membrane anchor 1; minus strand). Cytogenetic location: 14q32.12.
Variant type: single nucleotide variant.
Coding change: c.151G>A on transcript NM_178013.4 (MANE Select); coding-DNA position 151, G replaced by A.
Protein change: p.Val51Ile; replaces valine 51 with isoleucine.
Molecular consequence: missense variant.
Genome position (GRCh38, 1-based): chr14:93,779,254, C>T on the plus strand (G>A on the coding strand, the complement: PRIMA1 is on the minus strand). VCF-style: chr14-93779254-C-T. GRCh37 (hg19) VCF-style: chr14-94245600-C-T.
Other names: short protein forms V51I.
Identifiers: ClinVar variation 965555 (VCV000965555.10), dbSNP rs757100676, ClinGen allele CA7323097.

ClinVar aggregate classification (germline): Uncertain significance. Review status: criteria provided, multiple submitters, no conflicts (2 of 4 stars). 2 submissions from 2 submitters: Uncertain significance (2). Last evaluated 2023-10-13.

Conditions:
Familial sleep-related hypermotor epilepsy. Also called: Autosomal Dominant Sleep-Related Hypermotor (Hyperkinetic) Epilepsy. Identifiers: Orphanet 98784, MedGen C3696898, MONDO:0000030.

Allele frequency attached by ClinVar (database versions not stated): gnomAD below 0.00001; ExAC 0.00001; TOPMed 0.00001; gnomAD exomes 0.00003.

Submissions (2):

Labcorp Genetics (formerly Invitae), Labcorp
Classification: Uncertain significance for Familial sleep-related hypermotor epilepsy. Last evaluated: 2023-10-13. Review status: criteria provided, single submitter. Criteria: Invitae Variant Classification Sherloc (09022015). Collection method: clinical testing. Allele origin: germline.
Comment: This sequence change replaces valine, which is neutral and non-polar, with isoleucine, which is neutral and non-polar, at codon 51 of the PRIMA1 protein (p.Val51Ile). The frequency data for this variant in the population databases is considered unreliable, as metrics indicate poor data quality at this position in the gnomAD database. This variant has not been reported in the literature in individuals affected with PRIMA1-related conditions. ClinVar contains an entry for this variant (Variation ID: 965555). Algorithms developed to predict the effect of missense changes on protein structure and function output the following: SIFT: "Not Available"; PolyPhen-2: "Benign"; Align-GVGD: "Not Available". The isoleucine amino acid residue is found in multiple mammalian species, which suggests that this missense change does not adversely affect protein function. In summary, the available evidence is currently insufficient to determine the role of this variant in disease. Therefore, it has been classified as a Variant of Uncertain Significance.

Blueprint Genetics
Classification: Uncertain significance. Last evaluated: 2020-11-18. Review status: criteria provided, single submitter. Criteria: ACMG Guidelines, 2015. Collection method: clinical testing. Allele origin: germline.